The following is an entry in ClinVar:

NM_005876.5(SPEG):c.5485C>T (p.Arg1829Trp)

Gene: SPEG (striated muscle enriched protein kinase; plus strand). Cytogenetic location: 2q35.
Variant type: single nucleotide variant.
Coding change: c.5485C>T on transcript NM_005876.5 (MANE Select); coding-DNA position 5485, C replaced by T.
Protein change: p.Arg1829Trp; replaces arginine 1829 with tryptophan.
Molecular consequence: missense variant.
Genome position (GRCh38, 1-based): chr2:219,481,419, C>T. VCF-style: chr2-219481419-C-T. GRCh37 (hg19) VCF-style: chr2-220346141-C-T.
Other names: short protein forms R1829W.
Identifiers: ClinVar variation 2218784 (VCV002218784.3), dbSNP rs376444717, ClinGen allele CA2126844.
Genomic context (GRCh38, chr2:219,481,419, plus strand): 5'-ATCCGAAACTACAACGTGGCCTTCGAGGAGACCACATTCCTGAGCCTGAGCAGGGAGGCC[C>T]GGGGCTTCCTCATCAAAGTGTTGGTGCAGGACCGGCTGTGAGTACAAGGCCCTGGGAGCC-3'
Protein context (NP_005867.3, residues 1819-1839): TTFLSLSREA[Arg1829Trp]GFLIKVLVQD

ClinVar aggregate classification (germline): Uncertain significance. Review status: criteria provided, multiple submitters, no conflicts (2 of 4 stars). 2 submissions from 2 submitters: Uncertain significance (2). Last evaluated 2024-01-25.

Conditions:
Inborn genetic diseases. Identifiers: MedGen C0950123, MeSH D030342.

Allele frequency attached by ClinVar (database versions not stated): gnomAD 0.00001; ExAC 0.00002; TOPMed 0.00002; gnomAD exomes 0.00004; ESP Exome Variant Server 0.00008.
gnomAD v4.1: 55 of 1,614,028 alleles (0.0034%); highest among the groups gnomAD compares: Non-Finnish European, 0.0041%; no homozygotes.

Submissions (2):

Labcorp Genetics (formerly Invitae), Labcorp
Classification: Uncertain significance. Last evaluated: 2024-01-25. Review status: criteria provided, single submitter. Criteria: Invitae Variant Classification Sherloc (09022015). Collection method: clinical testing. Allele origin: germline.
Comment: This sequence change replaces arginine, which is basic and polar, with tryptophan, which is neutral and slightly polar, at codon 1829 of the SPEG protein (p.Arg1829Trp). This variant is present in population databases (rs376444717, gnomAD 0.005%). This variant has not been reported in the literature in individuals affected with SPEG-related conditions. ClinVar contains an entry for this variant (Variation ID: 2218784). An algorithm developed to predict the effect of missense changes on protein structure and function (PolyPhen-2) suggests that this variant is likely to be disruptive. In summary, the available evidence is currently insufficient to determine the role of this variant in disease. Therefore, it has been classified as a Variant of Uncertain Significance.

Ambry Genetics
Classification: Uncertain significance for Inborn genetic diseases. Last evaluated: 2022-02-10. Review status: criteria provided, single submitter. Criteria: Ambry Variant Classification Scheme 2023. Collection method: clinical testing. Allele origin: germline.